The following is an entry in ClinVar:

ClinVar aggregate classification (germline): Likely benign. Review status: criteria provided, multiple submitters, no conflicts (2 of 4 stars). 7 submissions from 7 submitters: Likely benign (6). 1 of the submissions does not count toward it. Last evaluated 2026-04-17.

Conditions:
Cardiovascular phenotype. Identifiers: MedGen CN230736.
SCN10A-related disorder. Also called: SCN10A-related condition.
Brugada syndrome. Also called: Sudden unexpected nocturnal death syndrome; Sudden Unexplained Death Syndrome; Sudden Unexplained Nocturnal Death Syndrome (SUNDS); Sudden unexplained nocturnal death syndrome. Identifiers: Orphanet 130, MedGen C1142166, MONDO:0015263.

Allele frequency attached by ClinVar (database versions not stated): ExAC 0.00007; TOPMed 0.00007; gnomAD 0.00009; ESP Exome Variant Server 0.00015.
gnomAD v4.1: 419 of 1,613,982 alleles (0.026%); highest among the groups gnomAD compares: Non-Finnish European, 0.034%; no homozygotes.

Submissions (7):

Women's Health and Genetics/Laboratory Corporation of America, LabCorp
Classification: Likely benign. Last evaluated: 2026-04-17. Review status: criteria provided, single submitter. Criteria: LabCorp Variant Classification Summary - May 2015. Collection method: clinical testing. Allele origin: germline.

Labcorp Genetics (formerly Invitae), Labcorp
Classification: Likely benign for Brugada syndrome. Last evaluated: 2026-01-19. Review status: criteria provided, single submitter. Criteria: Invitae Variant Classification Sherloc (09022015). Collection method: clinical testing. Allele origin: germline.

Blueprint Genetics
Classification: Likely benign. Last evaluated: 2024-10-01. Review status: criteria provided, single submitter. Criteria: ACMG Guidelines, 2015. Collection method: clinical testing. Allele origin: germline.

CeGaT Center for Human Genetics Tuebingen
Classification: Likely benign. Last evaluated: 2023-10-01. Review status: criteria provided, single submitter. Criteria: CeGaT Center For Human Genetics Tuebingen Variant Classification Criteria Version 2. Collection method: clinical testing. Allele origin: germline. Affected: yes. Observed: 1 variant allele.
Comment: SCN10A: BP4, BS1

Mayo Clinic Laboratories, Mayo Clinic
Classification: Likely benign. Last evaluated: 2022-09-22. Review status: criteria provided, single submitter. Criteria: ACMG Guidelines, 2015. Collection method: clinical testing. Allele origin: germline. Observed: 4 variant alleles.
Comment: BS1, BP4, BP7

Ambry Genetics
Classification: Likely benign for Cardiovascular phenotype. Last evaluated: 2019-07-01. Review status: criteria provided, single submitter. Criteria: Ambry Variant Classification Scheme 2023. Collection method: clinical testing. Allele origin: germline.

PreventionGenetics, part of Exact Sciences
Classification: Likely benign for SCN10A-related condition. Last evaluated: 2019-09-26. Review status: no assertion criteria provided. Collection method: clinical testing. Allele origin: germline. Not counted in ClinVar's aggregate classification.
Comment: This variant is classified as likely benign based on ACMG/AMP sequence variant interpretation guidelines (Richards et al. 2015 PMID: 25741868, with internal and published modifications).

NM_006514.4(SCN10A):c.5370G>T (p.Leu1790=)

Gene: SCN10A (sodium voltage-gated channel alpha subunit 10; minus strand). Cytogenetic location: 3p22.2.
Variant type: single nucleotide variant.
Coding change: c.5370G>T on transcript NM_006514.4 (MANE Select); coding-DNA position 5370, G replaced by T.
Protein change: p.Leu1790=; no amino-acid change (leucine 1790 retained).
Molecular consequence: synonymous variant.
Genome position (GRCh38, 1-based): chr3:38,697,850, C>A on the plus strand (G>T on the coding strand, the complement: SCN10A is on the minus strand). VCF-style: chr3-38697850-C-A. GRCh37 (hg19) VCF-style: chr3-38739341-C-A.
Other names: p.Leu1790=; c.5367G>T, p.Leu1789= (NM_001293306.2); c.5076G>T, p.Leu1692= (NM_001293307.2).
Identifiers: ClinVar variation 696364 (VCV000696364.38), dbSNP rs140566252, ClinGen allele CA2319682.